The following is an entry in ClinVar:

NM_000505.4(F12):c.1681-7G>A

Gene: F12 (coagulation factor XII; minus strand). Cytogenetic location: 5q35.3.
Variant type: single nucleotide variant.
Coding change: c.1681-7G>A on transcript NM_000505.4 (MANE Select); 7 bases into the intron before coding-DNA position 1681, G replaced by A.
Molecular consequence: intron variant.
Genome position (GRCh38, 1-based): chr5:177,402,466, C>T on the plus strand (G>A on the coding strand, the complement: F12 is on the minus strand). VCF-style: chr5-177402466-C-T. GRCh37 (hg19) VCF-style: chr5-176829467-C-T.
Identifiers: ClinVar variation 2053250 (VCV002053250.4), dbSNP rs367745133, ClinGen allele CA3581088.
Genomic context (GRCh38, chr5:177,402,466, plus strand): 5'-GAGCCGGCGCTCTGCAGCTTGGTCCTCACACACCAGCGGGCCTCCGGAATCACCCTGGGT[C>T]GGAAACACGCAGCTCAGCGCTGTGGACCTGAGATTTGTGCCTGACGGCCTCGGGGAAGGG-3'

ClinVar aggregate classification (germline): Benign/Likely benign. Review status: criteria provided, multiple submitters, no conflicts (2 of 4 stars). 3 submissions from 3 submitters: Benign (1); Likely benign (2). Last evaluated 2025-07-29.

Conditions:
Hereditary angioedema type 3 (HAE3). Also called: ESTROGEN-RELATED HAE; ESTROGEN-SENSITIVE HAE; HAE WITH NORMAL C1 INHIBITOR CONCENTRATION AND FUNCTION; ANGIONEUROTIC EDEMA, HEREDITARY, WITH NORMAL C1 INHIBITOR CONCENTRATION AND FUNCTION. Identifiers: Orphanet 100054, MedGen C1857728, MONDO:0012526, OMIM 610618.

Allele frequency attached by ClinVar (database versions not stated): TOPMed 0.00015; gnomAD exomes 0.00027; 1000 Genomes Project 0.00040; 1000 Genomes Project 30x 0.00047; ExAC 0.00068.

Submissions (3):

Labcorp Genetics (formerly Invitae), Labcorp
Classification: Likely benign. Last evaluated: 2025-07-29. Review status: criteria provided, single submitter. Criteria: Invitae Variant Classification Sherloc (09022015). Collection method: clinical testing. Allele origin: germline.

Faculty of Medicine, Department of Pediatric Allergy and Immunology, Bursa Uludag University
Classification: Benign for Hereditary angioedema type 3. Last evaluated: 2024-03-22. Review status: criteria provided, single submitter. Criteria: ACMG Guidelines, 2015. Collection method: clinical testing. Allele origin: germline. Inheritance: Autosomal dominant inheritance. Affected: yes. Observed: 1 variant allele, 1 heterozygote.
Comment: The gene responsible for HAE Type III is Factor XII (Cichon 2006). The DNA of the affected females were sequenced by NGS system and only one intronic heterozygous variant (rs367745133 (c.1681-7G>A)) was detected. Additionaly, the F12 mRNA of the index patient was sequenced by Sanger method to interpret the effect of this variant on mRNA processing. Sequencing results of mRNA (cDNA) of the patient with this variant indicate that there is no disruption in the sequence of mRNA. In summary, rs367745133 intronic variant could be classified as benign according to our experimental results.

Breakthrough Genomics
Classification: Likely benign. Review status: criteria provided, single submitter. Criteria: ACMG Guidelines, 2015. Collection method: not provided. Allele origin: germline. Inheritance: Autosomal recessive inheritance. Affected: yes.